The following is an entry in ClinVar:

NM_012281.3(KCND2):c.1564CAA[1] (p.Gln523del)

Gene: KCND2 (potassium voltage-gated channel subfamily D member 2; plus strand). Cytogenetic location: 7q31.31.
Variant type: Microsatellite.
Coding change: c.1564CAA[1] on transcript NM_012281.3 (MANE Select); one copy of the 3-base unit CAA starting at c.1564; the reference has two copies in a row; one copy, 3 bases deleted.
Protein change: p.Gln523del; deletes glutamine 523.
Molecular consequence: inframe deletion.
Genome position (GRCh38, 1-based): chr7:120,745,879-120,745,881, CAA deleted; deleting any 3 consecutive bases within chr7:120,745,875-120,745,881 gives the same sequence; the position shown is the placement nearest the transcript's 3' end. VCF-style (leftmost placement, unchanged base first): chr7-120745874-CACA-C. GRCh37 (hg19) VCF-style: chr7-120385928-CACA-C.
Other names: short protein forms Q523del.
Identifiers: ClinVar variation 1409091 (VCV001409091.8), dbSNP rs761958165, ClinGen allele CA4453715.
Genomic context (GRCh38, chr7:120,745,874, plus strand): 5'-AAAGCTGCATGGAAGTTGCAACTGTTAATCGTCCTTCAAGTCACAGTCCTTCACTGTCTT[CACA>C]ACAAGGAGTCACCAGCACCTGCTGTTCACGACGACACAAAAAAACTTTTCGCATCCCAAA-3'

ClinVar aggregate classification (germline): Uncertain significance (1 of 4 stars; one submission).

Conditions:
Early Myoclonic Encephalopathy. Identifiers: MedGen C0270855.

Submission:

Labcorp Genetics (formerly Invitae), Labcorp
Classification: Uncertain significance for Early Myoclonic Encephalopathy. Last evaluated: 2023-06-04. Review status: criteria provided, single submitter. Criteria: Invitae Variant Classification Sherloc (09022015). Collection method: clinical testing. Allele origin: germline.
Comment: This variant, c.1567_1569del, results in the deletion of 1 amino acid(s) of the KCND2 protein (p.Gln523del), but otherwise preserves the integrity of the reading frame. This variant is present in population databases (rs761958165, gnomAD 0.0009%). This variant has not been reported in the literature in individuals affected with KCND2-related conditions. Experimental studies and prediction algorithms are not available or were not evaluated, and the functional significance of this variant is currently unknown. In summary, the available evidence is currently insufficient to determine the role of this variant in disease. Therefore, it has been classified as a Variant of Uncertain Significance.